The following is an entry in ClinVar:

ClinVar aggregate classification (germline): Uncertain significance. Review status: criteria provided, multiple submitters, no conflicts (2 of 4 stars). 2 submissions from 2 submitters: Uncertain significance (2). Last evaluated 2025-05-02.

Conditions:
Hereditary cancer-predisposing syndrome. Also called: Tumor predisposition; Hereditary neoplastic syndrome; Hereditary Cancer Syndrome; Neoplastic Syndromes, Hereditary. Identifiers: Orphanet 140162, MedGen C0027672, MeSH D009386, MONDO:0015356.
Familial cancer of breast. Also called: BREAST CANCER, FAMILIAL; Hereditary breast cancer; hereditary breast carcinoma. Identifiers: Orphanet 227535, MedGen C0346153, MONDO:0016419, OMIM 114480. Disease mechanism: loss of function.

Submissions (2):

Ambry Genetics
Classification: Uncertain significance for Hereditary cancer-predisposing syndrome. Last evaluated: 2025-05-02. Review status: criteria provided, single submitter. Criteria: Ambry Variant Classification Scheme 2023. Collection method: clinical testing. Allele origin: germline.
Comment: The p.S376C variant (also known as c.1126A>T), located in coding exon 4 of the PALB2 gene, results from an A to T substitution at nucleotide position 1126. The serine at codon 376 is replaced by cysteine, an amino acid with dissimilar properties. This amino acid position is conserved. In addition, this alteration is predicted to be tolerated by in silico analysis. Based on the available evidence, the clinical significance of this variant remains unclear.

Labcorp Genetics (formerly Invitae), Labcorp
Classification: Uncertain significance for Familial cancer of breast. Last evaluated: 2021-09-01. Review status: criteria provided, single submitter. Criteria: Invitae Variant Classification Sherloc (09022015). Collection method: clinical testing. Allele origin: germline.
Comment: This sequence change replaces serine with cysteine at codon 376 of the PALB2 protein (p.Ser376Cys). The serine residue is moderately conserved and there is a moderate physicochemical difference between serine and cysteine. This variant is not present in population databases (ExAC no frequency). This variant has not been reported in the literature in individuals affected with PALB2-related conditions. Algorithms developed to predict the effect of missense changes on protein structure and function are either unavailable or do not agree on the potential impact of this missense change (SIFT: "Deleterious"; PolyPhen-2: "Probably Damaging"; Align-GVGD: "Class C15"). In summary, the available evidence is currently insufficient to determine the role of this variant in disease. Therefore, it has been classified as a Variant of Uncertain Significance.

NM_024675.4(PALB2):c.1126A>T (p.Ser376Cys)

Gene: PALB2 (partner and localizer of BRCA2; minus strand). Cytogenetic location: 16p12.2.
Variant type: single nucleotide variant.
Coding change: c.1126A>T on transcript NM_024675.4 (MANE Select); coding-DNA position 1126, A replaced by T.
Protein change: p.Ser376Cys; replaces serine 376 with cysteine.
Molecular consequence: missense variant.
Genome position (GRCh38, 1-based): chr16:23,635,420, T>A on the plus strand (A>T on the coding strand, the complement: PALB2 is on the minus strand). VCF-style: chr16-23635420-T-A. GRCh37 (hg19) VCF-style: chr16-23646741-T-A.
Other names: short protein forms S376C.
Identifiers: ClinVar variation 935953 (VCV000935953.9), dbSNP rs1966991786, ClinGen allele CA395133677.
Genomic context (GRCh38, chr16:23,635,420, plus strand): 5'-AAGAATGTTTTTCTGCAGAAAGAGGAGAGGTTGCTTCCAGGCTAAGACTCTTAGGTTGAC[T>A]TAGAATCTCACTTTCCTGAAGATTTTCATTCCTGCCATCAAGAGTGTCACTGGGAGATTT-3'
Protein context (NP_078951.2, residues 366-386): NENLQESEIL[Ser376Cys]QPKSLSLEAT